The following is an entry in ClinVar:

ClinVar aggregate classification (germline): Uncertain significance. Review status: criteria provided, multiple submitters, no conflicts (2 of 4 stars). 2 submissions from 2 submitters: Uncertain significance (2). Last evaluated 2025-08-29.

Allele frequency attached by ClinVar (database versions not stated): gnomAD exomes 0.00001; TOPMed 0.00002; gnomAD 0.00003.
gnomAD v4.1: 19 of 1,613,602 alleles (0.0012%); highest among the groups gnomAD compares: Non-Finnish European, 0.0015%; no homozygotes.

Submissions (2):

Ambry Genetics
Classification: Uncertain significance. Last evaluated: 2025-08-29. Review status: criteria provided, single submitter. Criteria: Ambry Variant Classification Scheme 2023. Collection method: clinical testing. Allele origin: germline.

Labcorp Genetics (formerly Invitae), Labcorp
Classification: Uncertain significance. Last evaluated: 2024-01-23. Review status: criteria provided, single submitter. Criteria: Invitae Variant Classification Sherloc (09022015). Collection method: clinical testing. Allele origin: germline.
Comment: This sequence change replaces aspartic acid, which is acidic and polar, with alanine, which is neutral and non-polar, at codon 1174 of the ZNF687 protein (p.Asp1174Ala). This variant is present in population databases (no rsID available, gnomAD 0.002%). This variant has not been reported in the literature in individuals affected with ZNF687-related conditions. Algorithms developed to predict the effect of missense changes on protein structure and function output the following: SIFT: "Not Available"; PolyPhen-2: "Benign"; Align-GVGD: "Not Available". The alanine amino acid residue is found in multiple mammalian species, which suggests that this missense change does not adversely affect protein function. In summary, the available evidence is currently insufficient to determine the role of this variant in disease. Therefore, it has been classified as a Variant of Uncertain Significance.

NM_020832.3(ZNF687):c.3521A>C (p.Asp1174Ala)

Gene: ZNF687 (zinc finger protein 687; plus strand). Cytogenetic location: 1q21.3.
Variant type: single nucleotide variant.
Coding change: c.3521A>C on transcript NM_020832.3 (MANE Select); coding-DNA position 3521, A replaced by C.
Protein change: p.Asp1174Ala; replaces aspartic acid 1174 with alanine.
Molecular consequence: missense variant.
Genome position (GRCh38, 1-based): chr1:151,291,016, A>C. VCF-style: chr1-151291016-A-C. GRCh37 (hg19) VCF-style: chr1-151263492-A-C.
Other names: c.3521A>C, p.Asp1174Ala (NM_001304764.2, NM_001304763.2); c.3521A>C (NM_020832.1); short protein forms D1174A.
Identifiers: ClinVar variation 2956161 (VCV002956161.4), dbSNP rs1220269145, ClinGen allele CA341964902.